The following is an entry in ClinVar:

ClinVar aggregate classification (germline): Conflicting classifications of pathogenicity. Review status: criteria provided, conflicting classifications (1 of 4 stars). 2 submissions from 2 submitters: Likely pathogenic (1); Uncertain significance (1). Last evaluated 2023-09-21.

Conditions:
Glaucoma 3A. Also called: Glaucoma 3, primary congenital, A. Identifiers: Orphanet 98976, Orphanet 98977, MedGen C1856439, MONDO:0009277, OMIM 231300.

Allele frequency attached by ClinVar (database versions not stated): TOPMed 0.00001.
gnomAD v4.1: 3 of 1,588,800 alleles (0.00019%); highest among the groups gnomAD compares: African/African-American, 0.0013%; no homozygotes.

Submissions (2):

Women's Health and Genetics/Laboratory Corporation of America, LabCorp
Classification: Uncertain significance. Last evaluated: 2023-09-21. Review status: criteria provided, single submitter. Criteria: LabCorp Variant Classification Summary - May 2015. Collection method: clinical testing. Allele origin: germline.
Comment: Variant summary: CYP1B1 c.350G>A (p.Arg117Gln) results in a conservative amino acid change in the encoded protein sequence, altering a conserved residue in which other missense variants have been found in association with disease (HGMD). Four of five in-silico tools predict a damaging effect of the variant on protein function. The variant was absent in 204070 control chromosomes (gnomAD). c.350G>A has been reported in the literature in an individual affected with Primary Congenital Glaucoma who was compound heterozygous with a (likely) pathogenic variant (Gronskov_2016). These data suggest the varaint may be associated with disease. To our knowledge, no experimental evidence demonstrating an impact on protein function has been reported. The following publication has been ascertained in the context of this evaluation (PMID: 27820421). No submitters have cited clinical-significance assessments for this variant to ClinVar after 2014. Based on the evidence outlined above, the variant was classified as VUS-possibly pathogenic.

FullGenomics, FullGenomics SL
Classification: Likely pathogenic for Glaucoma 3A. Last evaluated: 2022-12-18. Review status: criteria provided, single submitter. Criteria: ACMG Guidelines, 2015. Collection method: clinical testing. Allele origin: germline. Inheritance: Autosomal recessive inheritance. Affected: yes. Observed: 1 compound heterozygote.
Comment: The c.350G>A variant involves the substitution of arginine for glutamine at amino acid position 117, p.(Arg117Gln). This variant is not present in population databases (gnomAD no frequency). This missense change has been observed in individual(s) with congenital glaucoma (PMID: 27820421, FullGenomics). In at least one individual the data is consistent with being in trans (on the opposite chromosome) from a pathogenic variant. Multiple computational data algorithms and 3D modeling supported a deleterious effect of the missense variant on CYP1B1 gene function or structure. In summary, these findings suggest that this residue is clinically significant, and this variant is likely to be disease-causing. For these reasons, this variant has been classified as likely pathogenic.

Literature cited by the submitters: PubMed 27820421 (cited by Women's Health and Genetics/Laboratory Corporation of America, LabCorp and FullGenomics, FullGenomics SL).

NM_000104.4(CYP1B1):c.350G>A (p.Arg117Gln)

Gene: CYP1B1 (cytochrome P450 family 1 subfamily B member 1; minus strand). Cytogenetic location: 2p22.2.
Variant type: single nucleotide variant.
Coding change: c.350G>A on transcript NM_000104.4 (MANE Select); coding-DNA position 350, G replaced by A.
Protein change: p.Arg117Gln; replaces arginine 117 with glutamine.
Molecular consequence: missense variant.
Genome position (GRCh38, 1-based): chr2:38,075,039, C>T on the plus strand (G>A on the coding strand, the complement: CYP1B1 is on the minus strand). VCF-style: chr2-38075039-C-T. GRCh37 (hg19) VCF-style: chr2-38302182-C-T.
Other names: c.350G>A (NM_000104.3); short protein forms R117Q.
Identifiers: ClinVar variation 2500809 (VCV002500809.3), dbSNP rs1450783755, ClinGen allele CA346329434.